The following is an entry in ClinVar:

ClinVar aggregate classification (germline): Uncertain significance. Review status: criteria provided, multiple submitters, no conflicts (2 of 4 stars). 2 submissions from 2 submitters: Uncertain significance (2). Last evaluated 2025-12-15.

Conditions:
Inborn genetic diseases. Identifiers: MedGen C0950123, MeSH D030342.

Allele frequency attached by ClinVar (database versions not stated): ExAC 0.00001; gnomAD exomes 0.00001.
gnomAD v4.1: 7 of 1,607,972 alleles (0.00044%); highest among the groups gnomAD compares: Admixed American, 0.0067%; no homozygotes.

Submissions (2):

Ambry Genetics
Classification: Uncertain significance for Inborn genetic diseases. Last evaluated: 2025-12-15. Review status: criteria provided, single submitter. Criteria: Ambry Variant Classification Scheme 2023. Collection method: clinical testing. Allele origin: germline.

Women's Health and Genetics/Laboratory Corporation of America, LabCorp
Classification: Uncertain significance. Last evaluated: 2022-05-24. Review status: criteria provided, single submitter. Criteria: LabCorp Variant Classification Summary - May 2015. Collection method: clinical testing. Allele origin: germline.
Comment: Variant summary: GRIA4 c.614A>G (p.Gln205Arg) results in a conservative amino acid change located in the Receptor, ligand binding region (IPR001828) of the encoded protein sequence. Three of five in-silico tools predict a damaging effect of the variant on protein function. The variant allele was found at a frequency of 1.2e-05 in 250906 control chromosomes. The available data on variant occurrences in the general population are insufficient to allow any conclusion about variant significance. To our knowledge, no occurrence of c.614A>G in individuals affected with Neurodevelopmental Disorder With Or Without Seizures And Gait Abnormalities and no experimental evidence demonstrating its impact on protein function have been reported. No clinical diagnostic laboratories have submitted clinical-significance assessments for this variant to ClinVar after 2014. Based on the evidence outlined above, the variant was classified as uncertain significance.

NM_000829.4(GRIA4):c.614A>G (p.Gln205Arg)

Gene: GRIA4 (glutamate ionotropic receptor AMPA type subunit 4; plus strand). Cytogenetic location: 11q22.3.
Variant type: single nucleotide variant.
Coding change: c.614A>G on transcript NM_000829.4 (MANE Select); coding-DNA position 614, A replaced by G.
Protein change: p.Gln205Arg; replaces glutamine 205 with arginine.
Molecular consequence: missense variant. On other transcripts: non-coding transcript variant (1).
Genome position (GRCh38, 1-based): chr11:105,862,150, A>G. VCF-style: chr11-105862150-A-G. GRCh37 (hg19) VCF-style: chr11-105732876-A-G.
Other names: c.614A>G, p.Gln205Arg (NM_001077243.3, NM_001077244.2, NM_001112812.2); short protein forms Q205R.
Identifiers: ClinVar variation 1696152 (VCV001696152.2), dbSNP rs769158689, ClinGen allele CA6258433.